The following is an entry in ClinVar:

ClinVar aggregate classification (germline): Uncertain significance (1 of 4 stars; one submission).

Allele frequency attached by ClinVar (database versions not stated): gnomAD exomes below 0.00001.
gnomAD v4.1: 1 of 1,608,398 alleles (0.000062%); highest among the groups gnomAD compares: Non-Finnish European, 0.000085%; no homozygotes.

Submission:

Labcorp Genetics (formerly Invitae), Labcorp
Classification: Uncertain significance. Last evaluated: 2024-01-25. Review status: criteria provided, single submitter. Criteria: Invitae Variant Classification Sherloc (09022015). Collection method: clinical testing. Allele origin: germline.
Comment: This sequence change replaces serine, which is neutral and polar, with leucine, which is neutral and non-polar, at codon 24 of the DIAPH3 protein (p.Ser24Leu). This variant is not present in population databases (gnomAD no frequency). This variant has not been reported in the literature in individuals affected with DIAPH3-related conditions. An algorithm developed to predict the effect of missense changes on protein structure and function (PolyPhen-2) suggests that this variant is likely to be tolerated. In summary, the available evidence is currently insufficient to determine the role of this variant in disease. Therefore, it has been classified as a Variant of Uncertain Significance.

NM_001042517.2(DIAPH3):c.71C>T (p.Ser24Leu)

Gene: DIAPH3 (diaphanous related formin 3; minus strand). Cytogenetic location: 13q21.2.
Variant type: single nucleotide variant.
Coding change: c.71C>T on transcript NM_001042517.2 (MANE Select); coding-DNA position 71, C replaced by T.
Protein change: p.Ser24Leu; replaces serine 24 with leucine.
Molecular consequence: missense variant.
Genome position (GRCh38, 1-based): chr13:60,163,696, G>A on the plus strand (C>T on the coding strand, the complement: DIAPH3 is on the minus strand). VCF-style: chr13-60163696-G-A. GRCh37 (hg19) VCF-style: chr13-60737830-G-A.
Other names: c.71C>T, p.Ser24Leu (NM_001258366.2, NM_001258367.2, NM_001258368.2 and 1 more transcripts); short protein forms S24L.
Identifiers: ClinVar variation 2711355 (VCV002711355.3), dbSNP rs1219630512, ClinGen allele CA388338901.